The following is an entry in ClinVar:

ClinVar aggregate classification (germline): Uncertain significance. Review status: criteria provided, multiple submitters, no conflicts (2 of 4 stars). 2 submissions from 2 submitters: Uncertain significance (2). Last evaluated 2022-10-13.

Conditions:
Mendelian susceptibility to mycobacterial diseases due to complete IL12RB1 deficiency. Also called: IL12RB1 DEFICIENCY; Immunodeficiency 30. Identifiers: Orphanet 319552, MedGen C4013949, MONDO:0013955, OMIM 614891.

Allele frequency attached by ClinVar (database versions not stated): gnomAD 0.00031; 1000 Genomes Project 0.00060; ExAC 0.00007; ESP Exome Variant Server 0.00046; gnomAD exomes 0.00003 and 0.00008; TOPMed 0.00039; 1000 Genomes Project 30x 0.00125.
gnomAD v4.1: 91 of 1,612,890 alleles (0.0056%); highest among the groups gnomAD compares: African/African-American, 0.089%; no homozygotes.

Submissions (2):

Labcorp Genetics (formerly Invitae), Labcorp
Classification: Uncertain significance for Mendelian susceptibility to mycobacterial diseases due to complete IL12RB1 deficiency. Last evaluated: 2022-10-13. Review status: criteria provided, single submitter. Criteria: Invitae Variant Classification Sherloc (09022015). Collection method: clinical testing. Allele origin: germline.
Comment: This sequence change replaces proline, which is neutral and non-polar, with leucine, which is neutral and non-polar, at codon 232 of the IL12RB1 protein (p.Pro232Leu). This variant is present in population databases (rs147436538, gnomAD 0.07%). This variant has not been reported in the literature in individuals affected with IL12RB1-related conditions. ClinVar contains an entry for this variant (Variation ID: 328595). Advanced modeling of protein sequence and biophysical properties (such as structural, functional, and spatial information, amino acid conservation, physicochemical variation, residue mobility, and thermodynamic stability) performed at Invitae indicates that this missense variant is expected to disrupt IL12RB1 protein function. In summary, the available evidence is currently insufficient to determine the role of this variant in disease. Therefore, it has been classified as a Variant of Uncertain Significance.

Illumina Laboratory Services, Illumina
Classification: Uncertain significance for Mendelian susceptibility to mycobacterial diseases due to complete IL12RB1 deficiency. Last evaluated: 2018-01-13. Review status: criteria provided, single submitter. Criteria: ICSL Variant Classification Criteria 13 December 2019. Collection method: clinical testing. Allele origin: germline.

NM_005535.3(IL12RB1):c.695C>T (p.Pro232Leu)

Gene: IL12RB1 (interleukin 12 receptor subunit beta 1; minus strand). Cytogenetic location: 19p13.11.
Variant type: single nucleotide variant.
Coding change: c.695C>T on transcript NM_005535.3 (MANE Select); coding-DNA position 695, C replaced by T.
Protein change: p.Pro232Leu; replaces proline 232 with leucine.
Molecular consequence: missense variant.
Genome position (GRCh38, 1-based): chr19:18,075,754, G>A on the plus strand (C>T on the coding strand, the complement: IL12RB1 is on the minus strand). VCF-style: chr19-18075754-G-A. GRCh37 (hg19) VCF-style: chr19-18186564-G-A.
Other names: c.695C>T, p.Pro232Leu (NM_001290023.2, NM_153701.3); c.815C>T, p.Pro272Leu (NM_001290024.2); short protein forms P232L, P272L.
Identifiers: ClinVar variation 328595 (VCV000328595.10), dbSNP rs147436538, ClinGen allele CA9305115.
Genomic context (GRCh38, chr19:18,075,754, plus strand): 5'-GCTGTTGCCTTATTTCTAATGCTTGCCCCTGTTCCTGTACTCAGAGTGATCTTACCAGGG[G>A]GAACGCACACGGGGCTGCTCCACTTGCTCCAGGAACTTCCTTGGCTCCCCAGCTGCCGTC-3'
Protein context (NP_005526.1, residues 222-242): WSKWSSPVCV[Pro232Leu]PENPPQPQVR